The following is an entry in ClinVar:

NM_001374736.1(DST):c.3282C>T (p.Asp1094=)

Gene: DST (dystonin; minus strand). Cytogenetic location: 6p12.1.
Variant type: single nucleotide variant.
Coding change: c.3282C>T on transcript NM_001374736.1 (MANE Select); coding-DNA position 3282, C replaced by T.
Protein change: p.Asp1094=; no amino-acid change (aspartic acid 1094 retained).
Molecular consequence: synonymous variant.
Genome position (GRCh38, 1-based): chr6:56,634,858, G>A on the plus strand (C>T on the coding strand, the complement: DST is on the minus strand). VCF-style: chr6-56634858-G-A. GRCh37 (hg19) VCF-style: chr6-56499656-G-A.
Other names: c.3183C>T, p.Asp1061= (NM_001144769.5); c.2769C>T, p.Asp923= (NM_001144770.2); c.3282C>T, p.Asp1094= (NM_001374722.1); c.2649C>T, p.Asp883= (NM_001374729.1, NM_001374730.1, NM_001386100.1 and 1 more transcripts); c.3309C>T, p.Asp1103= (NM_001374734.1); c.1671C>T, p.Asp557= (NM_001723.7, NM_015548.5).
Identifiers: ClinVar variation 541473 (VCV000541473.42), dbSNP rs145723100, ClinGen allele CA3871200.

ClinVar aggregate classification (germline): Likely benign. Review status: criteria provided, multiple submitters, no conflicts (2 of 4 stars). 4 submissions from 4 submitters: Likely benign (4). Last evaluated 2026-09-01.

Conditions:
Epidermolysis bullosa simplex 3, localized or generalized intermediate, with BP230 deficiency (EBS3). Also called: Epidermolysis bullosa simplex due to BP230 deficiency; Epidermolysis bullosa simplex, autosomal recessive 2. Identifiers: Orphanet 412181, MedGen C3809470, MONDO:0014180, OMIM 615425.
Hereditary sensory and autonomic neuropathy type 6. Also called: HSAN VI; Neuropathy, hereditary sensory and autonomic, type VI. Identifiers: Orphanet 314381, MedGen C3539003, MONDO:0013839, OMIM 614653.
DST-related disorder. Also called: DST-related disorders; DST-related condition.

Allele frequency attached by ClinVar (database versions not stated): ESP Exome Variant Server 0.00023; gnomAD exomes 0.00031 and 0.00041; gnomAD 0.00033 and 0.00034; TOPMed 0.00035; ExAC 0.00050.
gnomAD v4.1: 506 of 1,613,858 alleles (0.031%); highest among the groups gnomAD compares: Non-Finnish European, 0.029%; no homozygotes.

Submissions (4):

CeGaT Center for Human Genetics Tuebingen
Classification: Likely benign. Last evaluated: 2026-09-01. Review status: criteria provided, single submitter. Criteria: CeGaT Center For Human Genetics Tuebingen Variant Classification Criteria Version 2. Collection method: clinical testing. Allele origin: germline. Affected: yes. Observed: 8 variant alleles.
Comment: DST: BP4, BP7

Labcorp Genetics (formerly Invitae), Labcorp
Classification: Likely benign for Epidermolysis bullosa simplex 3, localized or generalized intermediate, with BP230 deficiency; Hereditary sensory and autonomic neuropathy type 6. Last evaluated: 2026-01-24. Review status: criteria provided, single submitter. Criteria: Invitae Variant Classification Sherloc (09022015). Collection method: clinical testing. Allele origin: germline.

PreventionGenetics, part of Exact Sciences
Classification: Likely benign for DST-related condition. Last evaluated: 2025-04-02. Review status: criteria provided, single submitter. Criteria: ACMG Guidelines, 2015. Collection method: clinical testing. Allele origin: germline.
Comment: This variant is classified as likely benign based on ACMG/AMP sequence variant interpretation guidelines (Richards et al. 2015 PMID: 25741868, with internal and published modifications).

Blueprint Genetics
Classification: Likely benign. Last evaluated: 2024-10-17. Review status: criteria provided, single submitter. Criteria: ACMG Guidelines, 2015. Collection method: clinical testing. Allele origin: germline.